The following is an entry in ClinVar:

ClinVar aggregate classification (germline): Uncertain significance (1 of 4 stars; one submission).

Conditions:
Atrioventricular septal defect 5 (AVSD5). Identifiers: MedGen C3280939, MONDO:0013769, OMIM 614474.

Allele frequency attached by ClinVar (database versions not stated): 1000 Genomes Project 30x 0.00031.
gnomAD v4.1: 5 of 1,192,098 alleles (0.00042%); highest among the groups gnomAD compares: Admixed American, 0.023%; no homozygotes.

Submission:

Labcorp Genetics (formerly Invitae), Labcorp
Classification: Uncertain significance for Atrioventricular septal defect 5. Last evaluated: 2025-08-11. Review status: criteria provided, single submitter. Criteria: Invitae Variant Classification Sherloc (09022015). Collection method: clinical testing. Allele origin: germline.
Comment: This sequence change replaces glycine, which is neutral and non-polar, with serine, which is neutral and polar, at codon 236 of the GATA6 protein (p.Gly236Ser). This variant is present in population databases (no rsID available, gnomAD 0.2%). This variant has not been reported in the literature in individuals affected with GATA6-related conditions. ClinVar contains an entry for this variant (Variation ID: 1518040). Invitae Evidence Modeling of protein sequence and biophysical properties (such as structural, functional, and spatial information, amino acid conservation, physicochemical variation, residue mobility, and thermodynamic stability) indicates that this missense variant is not expected to disrupt GATA6 protein function with a negative predictive value of 80%. In summary, the available evidence is currently insufficient to determine the role of this variant in disease. Therefore, it has been classified as a Variant of Uncertain Significance.

NM_005257.6(GATA6):c.706G>A (p.Gly236Ser)

Gene: GATA6 (GATA binding protein 6; plus strand). Cytogenetic location: 18q11.2.
Variant type: single nucleotide variant.
Coding change: c.706G>A on transcript NM_005257.6 (MANE Select); coding-DNA position 706, G replaced by A.
Protein change: p.Gly236Ser; replaces glycine 236 with serine.
Molecular consequence: missense variant.
Genome position (GRCh38, 1-based): chr18:22,171,850, G>A. VCF-style: chr18-22171850-G-A. GRCh37 (hg19) VCF-style: chr18-19751811-G-A.
Other names: short protein forms G236S.
Identifiers: ClinVar variation 1518040 (VCV001518040.8), dbSNP rs904551659, ClinGen allele CA401800538.